The following is an entry in ClinVar:

ClinVar aggregate classification (germline): Pathogenic (1 of 4 stars; one submission).

Conditions:
Autosomal recessive juvenile Parkinson disease 2. Also called: Parkinson disease autosomal recessive, early onset; Juvenile parkinsonism; Parkinsonism, early onset, with diurnal fluctuation; Parkinson disease, juvenile, type 2; PRKN-Related Early-Onset Parkinson Disease; PARKINSON DISEASE, JUVENILE, AUTOSOMAL RECESSIVE. Identifiers: Orphanet 2828, MedGen C1868675, MONDO:0010820, OMIM 600116.

Submission:

Labcorp Genetics (formerly Invitae), Labcorp
Classification: Pathogenic for Parkinson disease 2. Last evaluated: 2018-08-03. Review status: criteria provided, single submitter. Criteria: Invitae Variant Classification Sherloc (09022015). Collection method: clinical testing. Allele origin: germline.
Comment: This variant results in a copy number gain of the genomic region encompassing exons 5-6 of the PARK2 gene. While the exact position of this variant cannot be determined from this data, sub-genic copy number gains are generally in tandem (PMID: 25640679) and may result in an absent or disrupted protein product. This finding is consistent with autosomal recessive inheritance, and suggests that this variant contributes to disease. Loss-of-function variants in PARK2 are known to be pathogenic (PMID: 10072423, 20301651, 22956510). In summary, the currently available evidence indicates that the variant is pathogenic, but additional data are needed to prove that conclusively. Therefore, this variant has been classified as Likely Pathogenic.

NC_000006.11:g.(?_162394314)_(162475226_?)dup

Gene: PRKN (parkin RBR E3 ubiquitin protein ligase; minus strand). Cytogenetic location: 6q26.
Variant type: Duplication.
Identifiers: ClinVar variation 583917 (VCV000583917.2).